The following is an entry in ClinVar:

NM_003673.4(TCAP):c.361del (p.Thr121fs)

Gene: TCAP (titin-cap; plus strand). Cytogenetic location: 17q12.
Variant type: Deletion.
Coding change: c.361del on transcript NM_003673.4 (MANE Select); coding-DNA position 361, one base deleted (A; older notation c.361delA).
Protein change: p.Thr121fs; shifts the reading frame from threonine 121.
Molecular consequence: frameshift variant.
Genome position (GRCh38, 1-based): chr17:39,665,966, A deleted. VCF-style (leftmost placement, unchanged base first): chr17-39665965-GA-G. GRCh37 (hg19) VCF-style: chr17-37822218-GA-G.
Other names: short protein forms T121fs.
Identifiers: ClinVar variation 3757023 (VCV003757023.2).

ClinVar aggregate classification (germline): Uncertain significance (1 of 4 stars; one submission).

Conditions:
Primary familial hypertrophic cardiomyopathy (HCM). Identifiers: Orphanet 99739, MedGen C0949658, MeSH D024741, MONDO:0024573. Inheritance: Various modes of inheritance.
Hypertrophic cardiomyopathy 25 (CMH25). Also called: CARDIOMYOPATHY, FAMILIAL HYPERTROPHIC, 25. Identifiers: MedGen C4225408, MONDO:0011843, OMIM 607487.

Submission:

Labcorp Genetics (formerly Invitae), Labcorp
Classification: Uncertain significance for Hypertrophic cardiomyopathy 25; Primary familial hypertrophic cardiomyopathy. Last evaluated: 2024-06-28. Review status: criteria provided, single submitter. Criteria: Invitae Variant Classification Sherloc (09022015). Collection method: clinical testing. Allele origin: germline.
Comment: This sequence change results in a frameshift in the TCAP gene (p.Thr121Glnfs*67). While this is not anticipated to result in nonsense mediated decay, it is expected to disrupt the last 47 amino acid(s) of the TCAP protein and extend the protein by 19 additional amino acid residues. This variant is not present in population databases (gnomAD no frequency). This variant has not been reported in the literature in individuals affected with TCAP-related conditions. Experimental studies and prediction algorithms are not available or were not evaluated, and the functional significance of this variant is currently unknown. In summary, the available evidence is currently insufficient to determine the role of this variant in disease. Therefore, it has been classified as a Variant of Uncertain Significance.